The following is an entry in ClinVar:

ClinVar aggregate classification (germline): Conflicting classifications of pathogenicity. Review status: criteria provided, conflicting classifications (1 of 4 stars). 3 submissions from 3 submitters: Uncertain significance (1); Likely benign (1). 1 of the submissions does not count toward it. Last evaluated 2025-11-22.

Conditions:
IL12RB1-related disorder. Also called: IL12RB1-related condition.
Mendelian susceptibility to mycobacterial diseases due to complete IL12RB1 deficiency. Also called: IL12RB1 DEFICIENCY; Immunodeficiency 30. Identifiers: Orphanet 319552, MedGen C4013949, MONDO:0013955, OMIM 614891.

gnomAD v4.1: 80 of 1,613,520 alleles (0.005%); highest among the groups gnomAD compares: South Asian, 0.081%; 1 homozygote.

Submissions (3):

Labcorp Genetics (formerly Invitae), Labcorp
Classification: Likely benign for Mendelian susceptibility to mycobacterial diseases due to complete IL12RB1 deficiency. Last evaluated: 2025-11-22. Review status: criteria provided, single submitter. Criteria: Invitae Variant Classification Sherloc (09022015). Collection method: clinical testing. Allele origin: germline.

Illumina Laboratory Services, Illumina
Classification: Uncertain significance for Mendelian susceptibility to mycobacterial diseases due to complete IL12RB1 deficiency. Last evaluated: 2018-01-13. Review status: criteria provided, single submitter. Criteria: ICSL Variant Classification Criteria 13 December 2019. Collection method: clinical testing. Allele origin: germline.

PreventionGenetics, part of Exact Sciences
Classification: Likely benign for IL12RB1-related condition. Last evaluated: 2019-07-19. Review status: no assertion criteria provided. Collection method: clinical testing. Allele origin: germline. Not counted in ClinVar's aggregate classification.
Comment: This variant is classified as likely benign based on ACMG/AMP sequence variant interpretation guidelines (Richards et al. 2015 PMID: 25741868, with internal and published modifications).

NM_005535.3(IL12RB1):c.1461T>C (p.Asp487=)

Gene: IL12RB1 (interleukin 12 receptor subunit beta 1; minus strand). Cytogenetic location: 19p13.11.
Variant type: single nucleotide variant.
Coding change: c.1461T>C on transcript NM_005535.3 (MANE Select); coding-DNA position 1461, T replaced by C.
Protein change: p.Asp487=; no amino-acid change (aspartic acid 487 retained).
Molecular consequence: synonymous variant.
Genome position (GRCh38, 1-based): chr19:18,066,564, A>G on the plus strand (T>C on the coding strand, the complement: IL12RB1 is on the minus strand). VCF-style: chr19-18066564-A-G. GRCh37 (hg19) VCF-style: chr19-18177374-A-G.
Other names: c.1461T>C, p.Asp487= (NM_001290023.2); c.1581T>C, p.Asp527= (NM_001290024.2).
Identifiers: ClinVar variation 328580 (VCV000328580.14), dbSNP rs542734526, ClinGen allele CA9304828.